The following is an entry in ClinVar:

NC_000017.10:g.(?_29546013)_(29546146_?)del

Gene: NF1 (neurofibromin 1; plus strand). Cytogenetic location: 17q11.2.
Variant type: Deletion.
Identifiers: ClinVar variation 3242847 (VCV003242847.1).

ClinVar aggregate classification (germline): Pathogenic (1 of 4 stars; one submission).

Conditions:
Neurofibromatosis, type 1 (NF1). Also called: VON RECKLINGHAUSEN DISEASE; Neurofibromatosis, type I; Peripheral type neurofibromatosis; NEUROFIBROMATOSIS, TYPE I, SOMATIC. Identifiers: Orphanet 636, MedGen C0027831, MONDO:0018975, OMIM 162200. Disease mechanism: loss of function.

Submission:

Labcorp Genetics (formerly Invitae), Labcorp
Classification: Pathogenic for Neurofibromatosis, type 1. Last evaluated: 2022-01-28. Review status: criteria provided, single submitter. Criteria: Invitae Variant Classification Sherloc (09022015). Collection method: clinical testing. Allele origin: unknown.
Comment: This variant is a gross deletion of the genomic region encompassing exon(s) 14 of the NF1 gene. This variant would be expected to be in-frame, preserving the integrity of the reading frame. A similar copy number variant has been observed in individual(s) with neurofibromatosis type 1 (PMID: 16786508). For these reasons, this variant has been classified as Pathogenic. This variant disrupts a region of the NF1 protein in which other variant(s) (p.Leu532Pro) have been determined to be pathogenic (PMID: 15060124; Invitae). This suggests that this is a clinically significant region of the protein, and that variants that disrupt it are likely to be disease-causing.

Literature cited by the submitters: PubMed 16786508; PubMed 15060124.